The following is an entry in ClinVar:

ClinVar aggregate classification (germline): Benign. Review status: criteria provided, multiple submitters, no conflicts (2 of 4 stars). 6 submissions from 6 submitters: Benign (5). 1 of the submissions does not count toward it. Last evaluated 2026-02-01.

Conditions:
Congenital myopathy with internal nuclei and atypical cores. Also called: Myopathy, centronuclear, 4. Identifiers: Orphanet 319160, MedGen C4707232, MONDO:0013890, OMIM 614807.

Allele frequency attached by ClinVar (database versions not stated): gnomAD exomes 0.00176 and 0.00478; ExAC 0.00584; gnomAD 0.01757 and 0.01878; 1000 Genomes Project 0.01997; 1000 Genomes Project 30x 0.02030; TOPMed 0.02059; ESP Exome Variant Server 0.02163.
gnomAD v4.1: 5,347 of 1,611,772 alleles (0.33%); highest among the groups gnomAD compares: African/African-American, 6.2%; 162 homozygotes.

Submissions (6):

Labcorp Genetics (formerly Invitae), Labcorp
Classification: Benign for Congenital myopathy with internal nuclei and atypical cores. Last evaluated: 2026-02-01. Review status: criteria provided, single submitter. Criteria: Invitae Variant Classification Sherloc (09022015). Collection method: clinical testing. Allele origin: germline.

Athena Diagnostics
Classification: Benign. Last evaluated: 2023-12-08. Review status: criteria provided, single submitter. Criteria: Athena Diagnostics Criteria. Collection method: clinical testing. Allele origin: unknown.

GeneDx
Classification: Benign. Last evaluated: 2018-09-11. Review status: criteria provided, single submitter. Criteria: GeneDx Variant Classification Process June 2021. Collection method: clinical testing. Allele origin: germline. Affected: yes.

Breakthrough Genomics
Classification: Benign. Review status: criteria provided, single submitter. Criteria: ACMG Guidelines, 2015. Collection method: not provided. Allele origin: germline. Inheritance: Autosomal dominant inheritance. Affected: yes.

PreventionGenetics, part of Exact Sciences
Classification: Benign. Review status: criteria provided, single submitter. Criteria: ACMG Guidelines, 2015. Collection method: clinical testing. Allele origin: germline.

Genetic Services Laboratory, University of Chicago
Classification: Likely benign for AllHighlyPenetrant. Review status: no assertion criteria provided. Collection method: clinical testing. Allele origin: germline. Inheritance: Autosomal dominant inheritance. Not counted in ClinVar's aggregate classification.
Comment: Likely benign based on allele frequency in 1000 Genomes Project or ESP global frequency and its presence in a patient with a rare or unrelated disease phenotype. NOT Sanger confirmed.

NM_001378030.1(CCDC78):c.937C>T (p.Leu313=)

Gene: CCDC78 (coiled-coil domain containing 78; minus strand). Cytogenetic location: 16p13.3.
Variant type: single nucleotide variant.
Coding change: c.937C>T on transcript NM_001378030.1 (MANE Select); coding-DNA position 937, C replaced by T.
Protein change: p.Leu313=; no amino-acid change (leucine 313 retained).
Molecular consequence: synonymous variant. On other transcripts: non-coding transcript variant (5).
Genome position (GRCh38, 1-based): chr16:724,338, G>A on the plus strand (C>T on the coding strand, the complement: CCDC78 is on the minus strand). VCF-style: chr16-724338-G-A. GRCh37 (hg19) VCF-style: chr16-774338-G-A.
Other names: c.937C>T, p.Leu313= (NM_001031737.3, NM_001378031.1); c.370C>T, p.Leu124= (NM_001378033.1).
Identifiers: ClinVar variation 128633 (VCV000128633.22), dbSNP rs61998209, ClinGen allele CA152212.